The following is an entry in ClinVar:

ClinVar aggregate classification (germline): Uncertain significance. Review status: criteria provided, multiple submitters, no conflicts (2 of 4 stars). 3 submissions from 3 submitters: Uncertain significance (3). Last evaluated 2026-04-02.

Conditions:
Cardiovascular phenotype. Identifiers: MedGen CN230736.
Dilated cardiomyopathy 1JJ (CMD1JJ). Identifiers: Orphanet 154, MedGen C3808935, MONDO:0014095, OMIM 615235.

Allele frequency attached by ClinVar (database versions not stated): gnomAD 0.00001 and below 0.00001; ExAC 0.00006; TOPMed below 0.00001; gnomAD exomes 0.00004.
gnomAD v4.1: 27 of 1,611,830 alleles (0.0017%); highest among the groups gnomAD compares: South Asian, 0.029%; no homozygotes.

Submissions (3):

GeneDx
Classification: Uncertain significance. Last evaluated: 2026-04-02. Review status: criteria provided, single submitter. Criteria: GeneDx Variant Classification Process June 2021. Collection method: clinical testing. Allele origin: germline.
Comment: In silico analysis suggests that this missense variant does not alter protein structure/function; Has not been previously published as pathogenic or benign to our knowledge

Ambry Genetics
Classification: Uncertain significance for Cardiovascular phenotype. Last evaluated: 2025-06-23. Review status: criteria provided, single submitter. Criteria: Ambry Variant Classification Scheme 2023. Collection method: clinical testing. Allele origin: germline.
Comment: The p.V516L variant (also known as c.1546G>T), located in coding exon 12 of the LAMA4 gene, results from a G to T substitution at nucleotide position 1546. The valine at codon 516 is replaced by leucine, an amino acid with highly similar properties. This amino acid position is conserved. In addition, this alteration is predicted to be tolerated by in silico analysis. Based on the available evidence, the clinical significance of this variant remains unclear.

Labcorp Genetics (formerly Invitae), Labcorp
Classification: Uncertain significance for Dilated cardiomyopathy 1JJ. Last evaluated: 2025-01-16. Review status: criteria provided, single submitter. Criteria: Invitae Variant Classification Sherloc (09022015). Collection method: clinical testing. Allele origin: germline.
Comment: This sequence change replaces valine, which is neutral and non-polar, with leucine, which is neutral and non-polar, at codon 516 of the LAMA4 protein (p.Val516Leu). This variant is present in population databases (rs782711566, gnomAD 0.04%). This variant has not been reported in the literature in individuals affected with LAMA4-related conditions. ClinVar contains an entry for this variant (Variation ID: 840520). Invitae Evidence Modeling of protein sequence and biophysical properties (such as structural, functional, and spatial information, amino acid conservation, physicochemical variation, residue mobility, and thermodynamic stability) indicates that this missense variant is not expected to disrupt LAMA4 protein function with a negative predictive value of 80%. In summary, the available evidence is currently insufficient to determine the role of this variant in disease. Therefore, it has been classified as a Variant of Uncertain Significance.

NM_001105206.3(LAMA4):c.1567G>T (p.Val523Leu)

Gene: LAMA4 (laminin subunit alpha 4; minus strand). Cytogenetic location: 6q21.
Variant type: single nucleotide variant.
Coding change: c.1567G>T on transcript NM_001105206.3 (MANE Select); coding-DNA position 1567, G replaced by T.
Protein change: p.Val523Leu; replaces valine 523 with leucine.
Molecular consequence: missense variant.
Genome position (GRCh38, 1-based): chr6:112,165,261, C>A on the plus strand (G>T on the coding strand, the complement: LAMA4 is on the minus strand). VCF-style: chr6-112165261-C-A. GRCh37 (hg19) VCF-style: chr6-112486463-C-A.
Other names: c.1546G>T, p.Val516Leu (NM_001105207.3, NM_002290.5); c.1546G>T (NM_002290.3); short protein forms V516L, V523L.
Identifiers: ClinVar variation 840520 (VCV000840520.11), dbSNP rs782711566, ClinGen allele CA3965733.